The following is an entry in ClinVar:

NM_152866.3(MS4A1):c.533C>T (p.Pro178Leu)

Gene: MS4A1 (membrane spanning 4-domains A1; plus strand). Cytogenetic location: 11q12.2.
Variant type: single nucleotide variant.
Coding change: c.533C>T on transcript NM_152866.3 (MANE Select); coding-DNA position 533, C replaced by T.
Protein change: p.Pro178Leu; replaces proline 178 with leucine.
Molecular consequence: missense variant.
Genome position (GRCh38, 1-based): chr11:60,466,117, C>T. VCF-style: chr11-60466117-C-T. GRCh37 (hg19) VCF-style: chr11-60233590-C-T.
Other names: c.533C>T, p.Pro178Leu (NM_152867.2, NM_021950.4); short protein forms P178L.
Identifiers: ClinVar variation 2807568 (VCV002807568.3), dbSNP rs2135201874, ClinGen allele CA380600198.

ClinVar aggregate classification (germline): Uncertain significance (1 of 4 stars; one submission).

Allele frequency attached by ClinVar (database versions not stated): gnomAD exomes below 0.00001.

Submission:

Labcorp Genetics (formerly Invitae), Labcorp
Classification: Uncertain significance. Last evaluated: 2023-10-18. Review status: criteria provided, single submitter. Criteria: Invitae Variant Classification Sherloc (09022015). Collection method: clinical testing. Allele origin: germline.
Comment: This sequence change replaces proline, which is neutral and non-polar, with leucine, which is neutral and non-polar, at codon 178 of the MS4A1 protein (p.Pro178Leu). This variant is not present in population databases (gnomAD no frequency). This variant has not been reported in the literature in individuals affected with MS4A1-related conditions. Algorithms developed to predict the effect of missense changes on protein structure and function output the following: SIFT: "Not Available"; PolyPhen-2: "Benign"; Align-GVGD: "Not Available". The leucine amino acid residue is found in multiple mammalian species, which suggests that this missense change does not adversely affect protein function. In summary, the available evidence is currently insufficient to determine the role of this variant in disease. Therefore, it has been classified as a Variant of Uncertain Significance.